The following is an entry in ClinVar:

NM_004793.4(LONP1):c.2716G>T (p.Gly906Trp)

Gene: LONP1 (lon peptidase 1, mitochondrial; minus strand). Cytogenetic location: 19p13.3.
Variant type: single nucleotide variant.
Coding change: c.2716G>T on transcript NM_004793.4 (MANE Select); coding-DNA position 2716, G replaced by T.
Protein change: p.Gly906Trp; replaces glycine 906 with tryptophan.
Molecular consequence: missense variant. On other transcripts: non-coding transcript variant (1).
Genome position (GRCh38, 1-based): chr19:5,692,196, C>A on the plus strand (G>T on the coding strand, the complement: LONP1 is on the minus strand). VCF-style: chr19-5692196-C-A. GRCh37 (hg19) VCF-style: chr19-5692207-C-A.
Other names: c.2524G>T, p.Gly842Trp (NM_001276479.2); c.2128G>T, p.Gly710Trp (NM_001276480.1); short protein forms G906W, G842W, G710W.
Identifiers: ClinVar variation 1030842 (VCV001030842.1), dbSNP rs775882355, ClinGen allele CA9113984.
Genomic context (GRCh38, chr19:5,692,196, plus strand): 5'-AGGCTGCCAGGTCGTAGAAGTCCTTCTTGTTCTCGGCTGGCAGGACGATGCACGTCACCC[C>A]TGCGCGCTTGGCCTGGGGGCAGAGTCAGGGTCAGCCCTGCCTGGGCCTGTGGGAGGGCAG-3'
Protein context (NP_004784.2, residues 896-916): KEKTIAAKRA[Gly906Trp]VTCIVLPAEN

ClinVar aggregate classification (germline): Uncertain significance (1 of 4 stars; one submission).

Conditions:
CODAS syndrome. Also called: CEREBRAL, OCULAR, DENTAL, AURICULAR, AND SKELETAL ANOMALIES SYNDROME. Identifiers: Orphanet 1458, MedGen C1838180, MONDO:0010879, OMIM 600373.

Allele frequency attached by ClinVar (database versions not stated): gnomAD 0.00001; TOPMed 0.00001.
gnomAD v4.1: 28 of 1,612,574 alleles (0.0017%); highest among the groups gnomAD compares: Non-Finnish European, 0.0024%; no homozygotes.

Submission:

Baylor Genetics
Classification: Uncertain significance for CODAS syndrome. Last evaluated: 2020-02-03. Review status: criteria provided, single submitter. Criteria: ACMG Guidelines, 2015. Collection method: clinical testing. Allele origin: unknown. Affected: yes.
Comment: This variant was determined to be of uncertain significance according to ACMG Guidelines, 2015 [PMID:25741868].